The following is an entry in ClinVar:

NM_002063.4(GLRA2):c.929A>C (p.Lys310Thr)

Gene: GLRA2 (glycine receptor alpha 2; plus strand). Cytogenetic location: Xp22.2.
Variant type: single nucleotide variant.
Coding change: c.929A>C on transcript NM_002063.4 (MANE Select); coding-DNA position 929, A replaced by C.
Protein change: p.Lys310Thr; replaces lysine 310 with threonine.
Molecular consequence: missense variant.
Genome position (GRCh38, 1-based): chrX:14,609,204, A>C. VCF-style: chrX-14609204-A-C. GRCh37 (hg19) VCF-style: chrX-14627326-A-C.
Other names: c.929A>C, p.Lys310Thr (NM_001118885.2, NM_001118886.2); c.662A>C, p.Lys221Thr (NM_001171942.2); short protein forms K221T, K310T.
Identifiers: ClinVar variation 3766123 (VCV003766123.1).

ClinVar aggregate classification (germline): Uncertain significance (1 of 4 stars; one submission).

Submission:

GeneDx
Classification: Uncertain significance. Last evaluated: 2023-05-02. Review status: criteria provided, single submitter. Criteria: GeneDx Variant Classification Process June 2021. Collection method: clinical testing. Allele origin: germline. Affected: yes.
Comment: Not observed at significant frequency in large population cohorts (gnomAD); In silico analysis supports that this missense variant has a deleterious effect on protein structure/function; Has not been previously published as pathogenic or benign to our knowledge; Variants in candidate genes are classified as variants of uncertain significance in accordance with ACMG guidelines (Richards et al., 2015)